The following is an entry in ClinVar:

NM_032638.5(GATA2):c.232C>A (p.Arg78Ser)

Gene: GATA2 (GATA binding protein 2; minus strand). Cytogenetic location: 3q21.3.
Variant type: single nucleotide variant.
Coding change: c.232C>A on transcript NM_032638.5 (MANE Select); coding-DNA position 232, C replaced by A.
Protein change: p.Arg78Ser; replaces arginine 78 with serine.
Molecular consequence: missense variant.
Genome position (GRCh38, 1-based): chr3:128,486,366, G>T on the plus strand (C>A on the coding strand, the complement: GATA2 is on the minus strand). VCF-style: chr3-128486366-G-T. GRCh37 (hg19) VCF-style: chr3-128205209-G-T.
Other names: c.232C>A, p.Arg78Ser (NM_001145661.2, NM_001145662.1); short protein forms R78S.
Identifiers: ClinVar variation 2951349 (VCV002951349.4), dbSNP rs2472932360, ClinGen allele CA354407989.

ClinVar aggregate classification (germline): Uncertain significance. Review status: criteria provided, multiple submitters, no conflicts (2 of 4 stars). 2 submissions from 2 submitters: Uncertain significance (2). Last evaluated 2026-07-06.

Conditions:
Deafness-lymphedema-leukemia syndrome. Also called: Emberger syndrome; Lymphedema, primary, with myelodysplasia. Identifiers: Orphanet 3226, MedGen C3279664, MONDO:0013540, OMIM 614038.
Monocytopenia with susceptibility to infections. Also called: MONOCYTOPENIA AND MYCOBACTERIAL INFECTION SYNDROME; MONOCYTOPENIA WITH SUSCEPTIBILITY TO MYCOBACTERIAL, FUNGAL, AND PAPILLOMAVIRUS INFECTIONS AND MYELODYSPLASIA; COMBINED IMMUNODEFICIENCY WITH SUSCEPTIBILITY TO MYCOBACTERIAL, VIRAL, AND FUNGAL INFECTIONS; Dendritic cell, monocyte, B lymphocyte, and natural killer lymphocyte deficiency; GATA2 DEFICIENCY; IMMUNODEFICIENCY 21. Identifiers: Orphanet 228423, MedGen C3280030, MONDO:0013607, OMIM 614172.
Inborn genetic diseases. Identifiers: MedGen C0950123, MeSH D030342.

Submissions (2):

Ambry Genetics
Classification: Uncertain significance for Inborn genetic diseases. Last evaluated: 2026-07-06. Review status: criteria provided, single submitter. Criteria: Ambry Variant Classification Scheme 2023. Collection method: clinical testing. Allele origin: germline.
Comment: The p.R78S variant (also known as c.232C>A), located in coding exon 2 of the GATA2 gene, results from a C to A substitution at nucleotide position 232. The arginine at codon 78 is replaced by serine, an amino acid with dissimilar properties. This amino acid position is conserved. In addition, this alteration is predicted to be deleterious by in silico analysis. Based on the available evidence, the clinical significance of this variant remains unclear.

Labcorp Genetics (formerly Invitae), Labcorp
Classification: Uncertain significance for Monocytopenia with susceptibility to infections; Deafness-lymphedema-leukemia syndrome. Last evaluated: 2023-08-28. Review status: criteria provided, single submitter. Criteria: Invitae Variant Classification Sherloc (09022015). Collection method: clinical testing. Allele origin: germline.
Comment: In summary, the available evidence is currently insufficient to determine the role of this variant in disease. Therefore, it has been classified as a Variant of Uncertain Significance. Algorithms developed to predict the effect of sequence changes on RNA splicing suggest that this variant may create or strengthen a splice site. An algorithm developed to predict the effect of missense changes on protein structure and function (PolyPhen-2) suggests that this variant is likely to be disruptive. This variant has not been reported in the literature in individuals affected with GATA2-related conditions. This variant is not present in population databases (gnomAD no frequency). This sequence change replaces arginine, which is basic and polar, with serine, which is neutral and polar, at codon 78 of the GATA2 protein (p.Arg78Ser).